The following is an entry in ClinVar:

NM_001376.5(DYNC1H1):c.4732C>T (p.Leu1578=)

Gene: DYNC1H1 (dynein cytoplasmic 1 heavy chain 1; plus strand). Cytogenetic location: 14q32.31.
Variant type: single nucleotide variant.
Coding change: c.4732C>T on transcript NM_001376.5 (MANE Select); coding-DNA position 4732, C replaced by T.
Protein change: p.Leu1578=; no amino-acid change (leucine 1578 retained).
Molecular consequence: synonymous variant.
Genome position (GRCh38, 1-based): chr14:102,002,814, C>T. VCF-style: chr14-102002814-C-T. GRCh37 (hg19) VCF-style: chr14-102469151-C-T.
Identifiers: ClinVar variation 539825 (VCV000539825.10), dbSNP rs143297786, ClinGen allele CA7352302.

ClinVar aggregate classification (germline): Likely benign. Review status: criteria provided, multiple submitters, no conflicts (2 of 4 stars). 3 submissions from 3 submitters: Likely benign (3). Last evaluated 2025-11-11.

Conditions:
DYNC1H1-related disorder. Also called: DYNC1H1-related condition; DYNC1H1-related disorders. Identifiers: MedGen CN381529.
Charcot-Marie-Tooth disease axonal type 2O. Also called: CHARCOT-MARIE-TOOTH NEUROPATHY, AXONAL, TYPE 2O; CHARCOT-MARIE-TOOTH DISEASE, AXONAL, AUTOSOMAL DOMINANT, TYPE 2O; Charcot-Marie-Tooth disease, axonal, type 20; Charcot-Marie-Tooth Neuropathy Type 2O. Identifiers: Orphanet 284232, MedGen C3280220, MONDO:0013644, OMIM 614228.

Allele frequency attached by ClinVar (database versions not stated): gnomAD exomes below 0.00001 and 0.00002; ExAC 0.00002; gnomAD 0.00004; TOPMed 0.00007; ESP Exome Variant Server 0.00015.
gnomAD v4.1: 12 of 1,614,066 alleles (0.00074%); highest among the groups gnomAD compares: African/African-American, 0.016%; no homozygotes.

Submissions (3):

Labcorp Genetics (formerly Invitae), Labcorp
Classification: Likely benign for Charcot-Marie-Tooth disease axonal type 2O. Last evaluated: 2025-11-11. Review status: criteria provided, single submitter. Criteria: Invitae Variant Classification Sherloc (09022015). Collection method: clinical testing. Allele origin: germline.

Blueprint Genetics
Classification: Likely benign. Last evaluated: 2024-11-14. Review status: criteria provided, single submitter. Criteria: ACMG Guidelines, 2015. Collection method: clinical testing. Allele origin: germline.

PreventionGenetics, part of Exact Sciences
Classification: Likely benign for DYNC1H1-related condition. Last evaluated: 2024-11-09. Review status: criteria provided, single submitter. Criteria: ACMG Guidelines, 2015. Collection method: clinical testing. Allele origin: germline.
Comment: This variant is classified as likely benign based on ACMG/AMP sequence variant interpretation guidelines (Richards et al. 2015 PMID: 25741868, with internal and published modifications).